The following is an entry in ClinVar:

ClinVar aggregate classification (germline): Uncertain significance. Review status: criteria provided, multiple submitters, no conflicts (2 of 4 stars). 2 submissions from 2 submitters: Uncertain significance (2). Last evaluated 2025-01-20.

gnomAD v4.1: 2 of 1,613,886 alleles (0.00012%); highest among the groups gnomAD compares: African/African-American, 0.0013%; no homozygotes.

Submissions (2):

Labcorp Genetics (formerly Invitae), Labcorp
Classification: Uncertain significance. Last evaluated: 2025-01-20. Review status: criteria provided, single submitter. Criteria: Invitae Variant Classification Sherloc (09022015). Collection method: clinical testing. Allele origin: germline.
Comment: This sequence change replaces glutamic acid, which is acidic and polar, with lysine, which is basic and polar, at codon 422 of the A2ML1 protein (p.Glu422Lys). This variant is present in population databases (rs376571470, gnomAD 0.007%). This variant has not been reported in the literature in individuals affected with A2ML1-related conditions. An algorithm developed to predict the effect of missense changes on protein structure and function outputs the following: PolyPhen-2: "Benign". The lysine amino acid residue is found in multiple mammalian species, which suggests that this missense change does not adversely affect protein function. In summary, the available evidence is currently insufficient to determine the role of this variant in disease. Therefore, it has been classified as a Variant of Uncertain Significance.

Ambry Genetics
Classification: Uncertain significance. Last evaluated: 2024-08-07. Review status: criteria provided, single submitter. Criteria: Ambry Variant Classification Scheme 2023. Collection method: clinical testing. Allele origin: germline.
Comment: The p.E422K variant (also known as c.1264G>A), located in coding exon 12 of the A2ML1 gene, results from a G to A substitution at nucleotide position 1264. The glutamic acid at codon 422 is replaced by lysine, an amino acid with similar properties. This amino acid position is conserved. In addition, this alteration is predicted to be tolerated by in silico analysis. Based on the available evidence, the clinical significance of this variant remains unclear.

NM_144670.6(A2ML1):c.1264G>A (p.Glu422Lys)

Gene: A2ML1 (alpha-2-macroglobulin like 1; plus strand). Cytogenetic location: 12p13.31.
Variant type: single nucleotide variant.
Coding change: c.1264G>A on transcript NM_144670.6 (MANE Select); coding-DNA position 1264, G replaced by A.
Protein change: p.Glu422Lys; replaces glutamic acid 422 with lysine.
Molecular consequence: missense variant.
Genome position (GRCh38, 1-based): chr12:8,843,149, G>A. VCF-style: chr12-8843149-G-A. GRCh37 (hg19) VCF-style: chr12-8995745-G-A.
Other names: short protein forms E422K.
Identifiers: ClinVar variation 3492867 (VCV003492867.3).